The following is an entry in ClinVar:

ClinVar aggregate classification (germline): Uncertain significance. Review status: criteria provided, multiple submitters, no conflicts (2 of 4 stars). 3 submissions from 3 submitters: Uncertain significance (3). Last evaluated 2025-11-25.

Conditions:
Hereditary cancer-predisposing syndrome. Also called: Hereditary neoplastic syndrome; Hereditary Cancer Syndrome; Neoplastic Syndromes, Hereditary; Tumor predisposition. Identifiers: Orphanet 140162, MedGen C0027672, MeSH D009386, MONDO:0015356.
Ataxia-telangiectasia syndrome (AT). Also called: Ataxia-telangiectasia, complementation group D; Cerebello-oculocutaneous telangiectasia; Immunodeficiency with ataxia telangiectasia; ATAXIA-TELANGIECTASIA, COMPLEMENTATION GROUP A; ATAXIA-TELANGIECTASIA, FRESNO VARIANT; LOUIS-BAR SYNDROME. Identifiers: Orphanet 100, MedGen C0004135, MONDO:0008840, OMIM 208900.

Submissions (3):

Labcorp Genetics (formerly Invitae), Labcorp
Classification: Uncertain significance for Ataxia-telangiectasia syndrome. Last evaluated: 2025-11-25. Review status: criteria provided, single submitter. Criteria: Invitae Variant Classification Sherloc (09022015). Collection method: clinical testing. Allele origin: germline.
Comment: This sequence change falls in intron 24 of the ATM gene. It does not directly change the encoded amino acid sequence of the ATM protein. This variant is not present in population databases (gnomAD no frequency). This variant has not been reported in the literature in individuals affected with ATM-related conditions. ClinVar contains an entry for this variant (Variation ID: 422756). Algorithms developed to predict the effect of sequence changes on RNA splicing suggest that this variant may disrupt the consensus splice site. In summary, the available evidence is currently insufficient to determine the role of this variant in disease. Therefore, it has been classified as a Variant of Uncertain Significance.

Ambry Genetics
Classification: Uncertain significance for Hereditary cancer-predisposing syndrome. Last evaluated: 2025-05-29. Review status: criteria provided, single submitter. Criteria: Ambry Variant Classification Scheme 2023. Collection method: clinical testing. Allele origin: germline.
Comment: The c.3577-7C>A intronic variant results from a C to A substitution 7 nucleotides upstream from coding exon 24 in the ATM gene. This nucleotide position is not well conserved in available vertebrate species. In silico splice site analysis predicts that this alteration may weaken the native splice acceptor site and may result in the creation or strengthening of a novel splice acceptor site; however, direct evidence is insufficient at this time (Ambry internal data). Based on the available evidence, the clinical significance of this variant remains unclear.

GeneDx
Classification: Uncertain significance. Last evaluated: 2016-11-17. Review status: criteria provided, single submitter. Criteria: GeneDx Variant Classification (06012015). Collection method: clinical testing. Allele origin: germline. Affected: yes.
Comment: This variant is denoted ATM c.3577-7C>A or IVS24-7C>A and consists of a C>A nucleotide substitution at the -7 position of intron 24 of the ATM gene. Multiple in silico models predict this variant to damage the nearby natural acceptor site and to possibly cause abnormal gene splicing; however, in the absence of RNA or functional studies, the actual effect of this variant is unknown. This variant has not, to our knowledge, been published in the literature as pathogenic or benign. ATM c.3577-7C>A was not observed in approximately 6,500 individuals of European and African American ancestry in the NHLBI Exome Sequencing Project, suggesting it is not a common benign variant in these populations. The cytosine (C) nucleotide that is altered is not conserved across species. Based on currently available information, it is unclear whether ATM c.3577-7C>A is pathogenic or benign. We consider it to be a variant of uncertain significance.

NM_000051.4(ATM):c.3577-7C>A

Gene: ATM (ATM serine/threonine kinase; plus strand). Cytogenetic location: 11q22.3.
Variant type: single nucleotide variant.
Coding change: c.3577-7C>A on transcript NM_000051.4 (MANE Select); 7 bases into the intron before coding-DNA position 3577, C replaced by A.
Molecular consequence: intron variant.
Genome position (GRCh38, 1-based): chr11:108,282,703, C>A. VCF-style: chr11-108282703-C-A. GRCh37 (hg19) VCF-style: chr11-108153430-C-A.
Other names: c.3577-7C>A (NM_001351834.2).
Identifiers: ClinVar variation 422756 (VCV000422756.7), dbSNP rs558667657, ClinGen allele CA16619161.